The following is an entry in ClinVar:

NM_004186.5(SEMA3F):c.165C>T (p.Thr55=)

Gene: SEMA3F (semaphorin 3F; plus strand). Cytogenetic location: 3p21.31.
Variant type: single nucleotide variant.
Coding change: c.165C>T on transcript NM_004186.5 (MANE Select); coding-DNA position 165, C replaced by T.
Protein change: p.Thr55=; no amino-acid change (threonine 55 retained).
Molecular consequence: synonymous variant. On other transcripts: 5 prime UTR variant (1).
Genome position (GRCh38, 1-based): chr3:50,173,845, C>T. VCF-style: chr3-50173845-C-T. GRCh37 (hg19) VCF-style: chr3-50211278-C-T.
Other names: c.-40C>T (NM_001318798.2); c.165C>T, p.Thr55= (NM_001318800.2).
Identifiers: ClinVar variation 3353301 (VCV003353301.1).
Genomic context (GRCh38, chr3:50,173,845, plus strand): 5'-ACCCACAGAGCTGAAGGCCACAGGCACCGCCCACTTCTTCAACTTCCTGCTCAACACAAC[C>T]GACTACCGAATCTTGCTCAAGGACGAGGACCACGACCGCATGTACGTGGGCAGCAAGGAC-3'
Protein context (NP_004177.3, residues 45-65): AHFFNFLLNT[Thr55=]DYRILLKDED

ClinVar aggregate classification (germline): Likely benign (0 of 4 stars; one submission).

Conditions:
SEMA3F-related disorder. Also called: SEMA3F-related condition.

gnomAD v4.1: 19 of 1,613,972 alleles (0.0012%); highest among the groups gnomAD compares: Admixed American, 0.01%; no homozygotes.

Submission:

PreventionGenetics, part of Exact Sciences
Classification: Likely benign for SEMA3F-related condition. Last evaluated: 2021-07-12. Review status: no assertion criteria provided. Collection method: clinical testing. Allele origin: germline.
Comment: This variant is classified as likely benign based on ACMG/AMP sequence variant interpretation guidelines (Richards et al. 2015 PMID: 25741868, with internal and published modifications).